The following is an entry in ClinVar:

NM_005589.4(ALDH6A1):c.*1032C>T

Genes: ALDH6A1 (aldehyde dehydrogenase 6 family member A1; minus strand), BBOF1 (basal body orientation factor 1; plus strand). Cytogenetic location: 14q24.3.
Variant type: single nucleotide variant.
Coding change: c.*1032C>T on transcript NM_005589.4 (MANE Select); 1032 bases downstream of the stop codon, C replaced by T.
Molecular consequence: 3 prime UTR variant. On other transcripts: intron variant (1).
Genome position (GRCh38, 1-based): chr14:74,059,610, G>A on the plus strand (C>T on the coding strand, the complement: ALDH6A1 is on the minus strand). VCF-style: chr14-74059610-G-A. GRCh37 (hg19) VCF-style: chr14-74526313-G-A.
Other names: c.*1032C>T (NM_001278593.2, NM_001278594.2); c.1578+2352G>A (NM_025057.3).
Identifiers: ClinVar variation 888076 (VCV000888076.5), dbSNP rs146306002, ClinGen allele CA263534149.
Genomic context (GRCh38, chr14:74,059,610, plus strand): 5'-CTGGGTGTGGTGGCGCATGCCTGTAATCCCAGCTACTAGGGGGGCTGAGGCAGGAGAATC[G>A]CTTGAACCTGGGAGGCGGAGGTTGCGGTGAGCTGAGATCACGCCATTGCACTCCAGCCTG-3'

ClinVar aggregate classification (germline): Benign. Review status: criteria provided, multiple submitters, no conflicts (2 of 4 stars). 2 submissions from 2 submitters: Benign (2). Last evaluated 2018-01-13.

Conditions:
Methylmalonate semialdehyde dehydrogenase deficiency (MMSDHD). Also called: MMSDH DEFICIENCY. Identifiers: Orphanet 289307, MedGen C3279840, MONDO:0013579, OMIM 614105.

Allele frequency attached by ClinVar (database versions not stated): gnomAD exomes 0.00272; gnomAD 0.02375 and 0.02550; TOPMed 0.02686; 1000 Genomes Project 0.02855; 1000 Genomes Project 30x 0.03092.
gnomAD v4.1: 3,831 of 244,278 alleles (1.6%); highest among the groups gnomAD compares: African/African-American, 8.1%; 144 homozygotes.

Submissions (2):

Illumina Laboratory Services, Illumina
Classification: Benign for Methylmalonate semialdehyde dehydrogenase deficiency. Last evaluated: 2018-01-13. Review status: criteria provided, single submitter. Criteria: ICSL Variant Classification Criteria 13 December 2019. Collection method: clinical testing. Allele origin: germline.
Comment: This variant was observed in the ICSL laboratory as part of a predisposition screen in an ostensibly healthy population. It had not been previously curated by ICSL or reported in the Human Gene Mutation Database (HGMD: prior to June 1st, 2018), and was therefore a candidate for classification through an automated scoring system. Utilizing variant allele frequency, disease prevalence and penetrance estimates, and inheritance mode, an automated score was calculated to assess if this variant is too frequent to cause the disease. Based on the score and internal cut-off values, a variant classified as benign is not then subjected to further curation. The score for this variant resulted in a classification of benign for this disease.

Breakthrough Genomics
Classification: Benign. Review status: criteria provided, single submitter. Criteria: ACMG Guidelines, 2015. Collection method: not provided. Allele origin: germline. Inheritance: Autosomal recessive inheritance. Affected: yes.